The following is an entry in ClinVar:

NM_207111.4(RNF216):c.1762G>A (p.Ala588Thr)

Gene: RNF216 (ring finger protein 216; minus strand). Cytogenetic location: 7p22.1.
Variant type: single nucleotide variant.
Coding change: c.1762G>A on transcript NM_207111.4 (MANE Select); coding-DNA position 1762, G replaced by A.
Protein change: p.Ala588Thr; replaces alanine 588 with threonine.
Molecular consequence: missense variant.
Genome position (GRCh38, 1-based): chr7:5,715,124, C>T on the plus strand (G>A on the coding strand, the complement: RNF216 is on the minus strand). VCF-style: chr7-5715124-C-T. GRCh37 (hg19) VCF-style: chr7-5754755-C-T.
Other names: c.1591G>A, p.Ala531Thr (NM_001377156.1, NM_207116.3); c.1762G>A (NM_207111.3); short protein forms A588T, A531T.
Identifiers: ClinVar variation 2188921 (VCV002188921.3), dbSNP rs141012211, ClinGen allele CA4148057.

ClinVar aggregate classification (germline): Uncertain significance. Review status: criteria provided, multiple submitters, no conflicts (2 of 4 stars). 3 submissions from 3 submitters: Uncertain significance (3). Last evaluated 2024-08-20.

Conditions:
Inborn genetic diseases. Identifiers: MedGen C0950123, MeSH D030342.

Allele frequency attached by ClinVar (database versions not stated): ExAC 0.00013; 1000 Genomes Project 0.00020; TOPMed 0.00024; gnomAD 0.00026; 1000 Genomes Project 30x 0.00031; ESP Exome Variant Server 0.00038.
gnomAD v4.1: 80 of 1,613,852 alleles (0.005%); highest among the groups gnomAD compares: African/African-American, 0.044%; no homozygotes.

Submissions (3):

Blueprint Genetics
Classification: Uncertain significance. Last evaluated: 2024-08-20. Review status: criteria provided, single submitter. Criteria: ACMG Guidelines, 2015. Collection method: clinical testing. Allele origin: germline.

Ambry Genetics
Classification: Uncertain significance for Inborn genetic diseases. Last evaluated: 2024-04-23. Review status: criteria provided, single submitter. Criteria: Ambry Variant Classification Scheme 2023. Collection method: clinical testing. Allele origin: germline.

Labcorp Genetics (formerly Invitae), Labcorp
Classification: Uncertain significance. Last evaluated: 2022-05-28. Review status: criteria provided, single submitter. Criteria: Invitae Variant Classification Sherloc (09022015). Collection method: clinical testing. Allele origin: germline.
Comment: This sequence change replaces alanine, which is neutral and non-polar, with threonine, which is neutral and polar, at codon 588 of the RNF216 protein (p.Ala588Thr). This variant is present in population databases (rs141012211, gnomAD 0.06%). This variant has not been reported in the literature in individuals affected with RNF216-related conditions. Algorithms developed to predict the effect of missense changes on protein structure and function are either unavailable or do not agree on the potential impact of this missense change (SIFT: "Tolerated"; PolyPhen-2: "Probably Damaging"; Align-GVGD: "Class C0"). In summary, the available evidence is currently insufficient to determine the role of this variant in disease. Therefore, it has been classified as a Variant of Uncertain Significance.